The following is an entry in ClinVar:

NM_170754.4(TNS2):c.3162A>T (p.Thr1054=)

Gene: TNS2 (tensin 2; plus strand). Cytogenetic location: 12q13.13.
Variant type: single nucleotide variant.
Coding change: c.3162A>T on transcript NM_170754.4 (MANE Select); coding-DNA position 3162, A replaced by T.
Protein change: p.Thr1054=; no amino-acid change (threonine 1054 retained).
Molecular consequence: synonymous variant.
Genome position (GRCh38, 1-based): chr12:53,061,068, A>T. VCF-style: chr12-53061068-A-T. GRCh37 (hg19) VCF-style: chr12-53454852-A-T.
Other names: c.3162A>T, p.Thr1054= (NM_001416202.1); c.3120A>T, p.Thr1040= (NM_001416203.1); c.3189A>T, p.Thr1063= (NM_001416204.1); c.3093A>T, p.Thr1031= (NM_015319.3); c.2790A>T, p.Thr930= (NM_198316.2).
Identifiers: ClinVar variation 2643041 (VCV002643041.24), dbSNP rs2539654303, ClinGen allele CA480080168.

ClinVar aggregate classification (germline): Likely benign (1 of 4 stars; one submission).

Submission:

CeGaT Center for Human Genetics Tuebingen
Classification: Likely benign. Last evaluated: 2022-12-01. Review status: criteria provided, single submitter. Criteria: CeGaT Center For Human Genetics Tuebingen Variant Classification Criteria Version 2. Collection method: clinical testing. Allele origin: germline. Affected: yes. Observed: 1 variant allele.
Comment: TNS2: PM2:Supporting, BP4, BP7